The following is an entry in ClinVar:

ClinVar aggregate classification (germline): Uncertain significance (1 of 4 stars; one submission).

Conditions:
Mevalonic aciduria (MEVA). Identifiers: Orphanet 29, MedGen C1959626, MONDO:0012481, OMIM 610377.
Hyperimmunoglobulin D with periodic fever (HIDS). Also called: HYPERIMMUNOGLOBULINEMIA D AND PERIODIC FEVER SYNDROME; Hyperimmunoglobulinemia D; Hyperimmunoglobulinemia D with periodic fever. Identifiers: Orphanet 343, MedGen C0398691, MONDO:0009849, OMIM 260920.
Porokeratosis 3, disseminated superficial actinic type (POROK3). Also called: POROKERATOSIS, DISSEMINATED SUPERFICIAL ACTINIC, 1; POROKERATOSIS 3, MULTIPLE TYPES; POROKERATOSIS 3, MIBELLI TYPE. Identifiers: MedGen C1867981, MONDO:0008293, OMIM 175900.

Submission:

Labcorp Genetics (formerly Invitae), Labcorp
Classification: Uncertain significance for Mevalonic aciduria; Hyperimmunoglobulin D with periodic fever; Porokeratosis 3, disseminated superficial actinic type. Last evaluated: 2024-08-08. Review status: criteria provided, single submitter. Criteria: Invitae Variant Classification Sherloc (09022015). Collection method: clinical testing. Allele origin: germline.
Comment: This sequence change affects codon 226 of the MVK mRNA. It is a 'silent' change, meaning that it does not change the encoded amino acid sequence of the MVK protein. It affects a nucleotide within the consensus splice site. This variant is not present in population databases (gnomAD no frequency). This variant has not been reported in the literature in individuals affected with MVK-related conditions. Algorithms developed to predict the effect of sequence changes on RNA splicing suggest that this variant may disrupt the consensus splice site. In summary, the available evidence is currently insufficient to determine the role of this variant in disease. Therefore, it has been classified as a Variant of Uncertain Significance.

NM_000431.4(MVK):c.678G>A (p.Arg226=)

Gene: MVK (mevalonate kinase; plus strand). Cytogenetic location: 12q24.11.
Variant type: single nucleotide variant.
Coding change: c.678G>A on transcript NM_000431.4 (MANE Select); coding-DNA position 678, G replaced by A.
Protein change: p.Arg226=; no amino-acid change (arginine 226 retained).
Molecular consequence: synonymous variant. On other transcripts: non-coding transcript variant (3).
Genome position (GRCh38, 1-based): chr12:109,590,771, G>A. VCF-style: chr12-109590771-G-A. GRCh37 (hg19) VCF-style: chr12-110028576-G-A.
Other names: c.678G>A, p.Arg226= (NM_001114185.3, NM_001414511.1, NM_001414513.1); c.522G>A, p.Arg174= (NM_001301182.2, NM_001414514.1); c.753G>A, p.Gly251= (NM_001414512.1); c.96G>A, p.Arg32= (NM_001414515.1).
Identifiers: ClinVar variation 3763791 (VCV003763791.2).
Genomic context (GRCh38, chr12:109,590,771, plus strand): 5'-TCCTGTCCCAGCTCCTCCATCTTGAGTTCAGTGTGGACCTGCCTCCTCTTCACCCTGCAG[G>A]TCGCCAGCTCTCCAGATCCTGCTGACCAACACCAAAGTCCCTCGCAATACCAGGGCCCTT-3'
Protein context (NP_000422.1, residues 216-236): YHQGKISSLK[Arg226=]SPALQILLTN